The following is an entry in ClinVar:

NM_015041.3(CLUAP1):c.311T>A (p.Leu104His)

Gene: CLUAP1 (clusterin associated protein 1; plus strand). Cytogenetic location: 16p13.3.
Variant type: single nucleotide variant.
Coding change: c.311T>A on transcript NM_015041.3 (MANE Select); coding-DNA position 311, T replaced by A.
Protein change: p.Leu104His; replaces leucine 104 with histidine.
Molecular consequence: missense variant.
Genome position (GRCh38, 1-based): chr16:3,508,380, T>A. VCF-style: chr16-3508380-T-A. GRCh37 (hg19) VCF-style: chr16-3558380-T-A.
Other names: c.311T>A (NM_015041.1); c.311T>A, p.Leu104His (NM_001330454.2); short protein forms L104H.
Identifiers: ClinVar variation 963424 (VCV000963424.9), dbSNP rs577364399, ClinGen allele CA276924696.

ClinVar aggregate classification (germline): Uncertain significance. Review status: criteria provided, multiple submitters, no conflicts (2 of 4 stars). 2 submissions from 2 submitters: Uncertain significance (2). Last evaluated 2026-01-15.

Allele frequency attached by ClinVar (database versions not stated): gnomAD exomes 0.00001 and 0.00003; gnomAD 0.00004; TOPMed 0.00005.
gnomAD v4.1: 46 of 1,606,072 alleles (0.0029%); highest among the groups gnomAD compares: Non-Finnish European, 0.0036%; no homozygotes.

Submissions (2):

Labcorp Genetics (formerly Invitae), Labcorp
Classification: Uncertain significance. Last evaluated: 2026-01-15. Review status: criteria provided, single submitter. Criteria: Invitae Variant Classification Sherloc (09022015). Collection method: clinical testing. Allele origin: germline.
Comment: This sequence change replaces leucine, which is neutral and non-polar, with histidine, which is basic and polar, at codon 104 of the CLUAP1 protein (p.Leu104His). This variant is present in population databases (rs577364399, gnomAD 0.003%). This variant has not been reported in the literature in individuals affected with CLUAP1-related conditions. ClinVar contains an entry for this variant (Variation ID: 963424). Invitae Evidence Modeling of protein sequence and biophysical properties (such as structural, functional, and spatial information, amino acid conservation, physicochemical variation, residue mobility, and thermodynamic stability) indicates that this missense variant is expected to disrupt CLUAP1 protein function with a positive predictive value of 80%. In summary, the available evidence is currently insufficient to determine the role of this variant in disease. Therefore, it has been classified as a Variant of Uncertain Significance.

Ambry Genetics
Classification: Uncertain significance. Last evaluated: 2022-10-25. Review status: criteria provided, single submitter. Criteria: Ambry Variant Classification Scheme 2023. Collection method: clinical testing. Allele origin: germline.